The following is an entry in ClinVar:

NM_015295.3(SMCHD1):c.4347-230A>G

Gene: SMCHD1 (structural maintenance of chromosomes flexible hinge domain containing 1; plus strand). Cytogenetic location: 18p11.32.
Variant type: single nucleotide variant.
Coding change: c.4347-230A>G on transcript NM_015295.3 (MANE Select); 230 bases into the intron before coding-DNA position 4347, A replaced by G.
Molecular consequence: intron variant.
Genome position (GRCh38, 1-based): chr18:2,760,422, A>G. VCF-style: chr18-2760422-A-G. GRCh37 (hg19) VCF-style: chr18-2760420-A-G.
Identifiers: ClinVar variation 4984348 (VCV004984348.1).

ClinVar aggregate classification (germline): Likely benign (1 of 4 stars; one submission).

Conditions:
SMCHD1-related disorder. Also called: SMCHD1-related condition.

gnomAD v4.1: 223 of 322,776 alleles (0.069%); highest among the groups gnomAD compares: Middle Eastern, 0.98%; no homozygotes.

Submission:

PreventionGenetics, part of Exact Sciences
Classification: Likely benign for SMCHD1-related condition. Last evaluated: 2026-08-05. Review status: criteria provided, single submitter. Criteria: ACMG Guidelines, 2015. Collection method: clinical testing. Allele origin: germline.
Comment: This variant is classified as likely benign based on ACMG/AMP sequence variant interpretation guidelines (Richards et al. 2015 PMID: 25741868, with internal and published modifications).